The following is an entry in ClinVar:

NM_001130987.2(DYSF):c.3476C>T (p.Thr1159Met)

Gene: DYSF (dysferlin; plus strand). Cytogenetic location: 2p13.2.
Variant type: single nucleotide variant.
Coding change: c.3476C>T on transcript NM_001130987.2 (MANE Select); coding-DNA position 3476, C replaced by T.
Protein change: p.Thr1159Met; replaces threonine 1159 with methionine.
Molecular consequence: missense variant.
Genome position (GRCh38, 1-based): chr2:71,589,666, C>T. VCF-style: chr2-71589666-C-T. GRCh37 (hg19) VCF-style: chr2-71816796-C-T.
Other names: c.3425C>T, p.Thr1142Met (NM_001130455.2, NM_001130983.2); c.3380C>T, p.Thr1127Met (NM_001130976.2, NM_001130977.2); c.3422C>T, p.Thr1141Met (NM_001130978.2, NM_003494.4); c.3515C>T, p.Thr1172Met (NM_001130979.2); c.3473C>T, p.Thr1158Met (NM_001130980.2, NM_001130981.2); c.3518C>T, p.Thr1173Met (NM_001130982.2); c.3383C>T, p.Thr1128Met (NM_001130984.2, NM_001130986.2); c.3476C>T, p.Thr1159Met (NM_001130985.2); and 1 more; short protein forms T1141M, T1159M, T1128M, T1173M, T1127M, T1142M, T1158M, T1172M.
Identifiers: ClinVar variation 290506 (VCV000290506.13), dbSNP rs140058659, ClinGen allele CA1706576.

ClinVar aggregate classification (germline): Conflicting classifications of pathogenicity. Review status: criteria provided, conflicting classifications (1 of 4 stars). 4 submissions from 4 submitters: Uncertain significance (3); Likely benign (1). Last evaluated 2025-10-07.

Conditions:
Neuromuscular disease caused by qualitative or quantitative defects of dysferlin. Also called: Qualitative or quantitative defects of dysferlin; Dysferlinopathy. Identifiers: Orphanet 207073, MedGen C2931687, MONDO:0016145.

Allele frequency attached by ClinVar (database versions not stated): gnomAD 0.00005; TOPMed 0.00005; ESP Exome Variant Server 0.00015; ExAC 0.00002; gnomAD exomes 0.00002 and 0.00004.
gnomAD v4.1: 68 of 1,613,994 alleles (0.0042%); highest among the groups gnomAD compares: African/African-American, 0.011%; no homozygotes.

Submissions (4):

Labcorp Genetics (formerly Invitae), Labcorp
Classification: Likely benign for Neuromuscular disease caused by qualitative or quantitative defects of dysferlin. Last evaluated: 2025-10-07. Review status: criteria provided, single submitter. Criteria: Invitae Variant Classification Sherloc (09022015). Collection method: clinical testing. Allele origin: germline.

Athena Diagnostics
Classification: Uncertain significance. Last evaluated: 2025-07-07. Review status: criteria provided, single submitter. Criteria: Athena Diagnostics Criteria. Collection method: clinical testing. Allele origin: unknown.
Comment: Available data are insufficient to determine the clinical significance of the variant at this time. The frequency of this variant in the general population is uninformative in assessment of its pathogenicity. Polyphen and MutationTaster predict this amino acid change may be damaging to the protein.

Revvity Omics, Revvity
Classification: Uncertain significance. Last evaluated: 2023-02-28. Review status: criteria provided, single submitter. Criteria: ACMG Guidelines, 2015. Collection method: clinical testing. Allele origin: germline.

Eurofins Ntd Llc (ga)
Classification: Uncertain significance. Last evaluated: 2016-08-29. Review status: criteria provided, single submitter. Criteria: EGL Classification Definitions 2015. Collection method: clinical testing. Allele origin: germline. Observed: 1 variant allele, 1 heterozygote.

Literature cited by the submitters: PubMed 30564623 (cited by Athena Diagnostics).